The following is an entry in ClinVar:

ClinVar aggregate classification (germline): Uncertain significance (1 of 4 stars; one submission).

Conditions:
Glycogen storage disease, type II (IOPD). Also called: Pompe Disease; CARDIOMEGALIA GLYCOGENICA DIFFUSA; GLYCOGENOSIS, GENERALIZED, CARDIAC FORM; GSD II; POMPE DISEASE, INFANTILE-ONSET; GLYCOGEN STORAGE DISEASE II, INFANTILE-ONSET. Identifiers: Orphanet 365, MedGen C0017921, MONDO:0009290, OMIM 232300.

Submission:

Genomenon, Inc
Classification: Uncertain significance for Glycogen storage disease, type II. Last evaluated: 2026-07-01. Review status: criteria provided, single submitter. Criteria: Genomenon Sequence Variant Interpretation Standards - Updated. Collection method: curation. Allele origin: germline. Affected: no.
Comment: GAA p.Pro754Leu (c.2261C>T) is a missense variant that changes the amino acid at codon 754 from Proline to Leucine. This variant has been reported in the published literature (PMID:33073007). It is absent or not present at a significant frequency in gnomAD. In silico models predict that this variant is possibly or probably damaging. In conclusion, we classify GAA p.Pro754Leu (c.2261C>T) as a variant of uncertain significance.

Literature cited by the submitters: PubMed 33073007.

NM_000152.5(GAA):c.2261C>T (p.Pro754Leu)

Gene: GAA (alpha glucosidase; plus strand). Cytogenetic location: 17q25.3.
Variant type: single nucleotide variant.
Coding change: c.2261C>T on transcript NM_000152.5 (MANE Select); coding-DNA position 2261, C replaced by T.
Protein change: p.Pro754Leu; replaces proline 754 with leucine.
Molecular consequence: missense variant.
Genome position (GRCh38, 1-based): chr17:80,117,039, C>T. VCF-style: chr17-80117039-C-T. GRCh37 (hg19) VCF-style: chr17-78090838-C-T.
Other names: c.2261C>T, p.Pro754Leu (NM_001079803.3, NM_001079804.3, NM_001406741.1 and 1 more transcripts); short protein forms P754L.
Identifiers: ClinVar variation 4876638 (VCV004876638.1).
Genomic context (GRCh38, chr17:80,117,039, plus strand): 5'-ACTCTAGCACCTGGACTGTGGACCACCAGCTCCTGTGGGGGGAGGCCCTGCTCATCACCC[C>T]AGTGCTCCAGGCCGGGAAGGCCGAAGTGACTGGCTACTTCCCCTTGGGCACATGGTACGA-3'
Protein context (NP_000143.2, residues 744-764): LLWGEALLIT[Pro754Leu]VLQAGKAEVT